The following is an entry in ClinVar:

ClinVar aggregate classification (germline): Likely pathogenic (1 of 4 stars; one submission).

Conditions:
Abetalipoproteinaemia (ABL). Also called: Abetalipoproteinemia; Abetalipoproteinemia neuropathy; Apolipoprotein B deficiency; Congenital betalipoprotein deficiency syndrome; MTP DEFICIENCY. Identifiers: Orphanet 14, MedGen C0000744, MONDO:0008692, OMIM 200100, HP:0008181.

Submission:

Myriad Genetics, Inc.
Classification: Likely pathogenic for Abetalipoproteinaemia. Last evaluated: 2022-03-17. Review status: criteria provided, single submitter. Criteria: Myriad Women's Health Autosomal Recessive and X-Linked Classification Criteria (2021). Collection method: clinical testing. Allele origin: unknown.
Comment: NM_000253.2(MTTP):c.710_711del2ins18(N237Rfs*4) is expected to be pathogenic in the context of abetalipoproteinemia. This variant is predicted to lead to an abnormal or absent protein product due to the creation of a premature termination codon in MTTP, a gene where loss-of-function variants are known to be pathogenic. Please note: this variant was assessed in the context of healthy population screening.

NM_001386140.1(MTTP):c.710_711delinsGATGTGTATAAGAGACAG (p.Asn237delinsArgCysValTer)

Gene: MTTP (microsomal triglyceride transfer protein; plus strand). Cytogenetic location: 4q23.
Variant type: Indel.
Coding change: c.710_711delinsGATGTGTATAAGAGACAG on transcript NM_001386140.1 (MANE Select); coding-DNA positions 710 to 711, AT replaced by GATGTGTATAAGAGACAG.
Protein change: p.Asn237delinsArgCysValTer.
Molecular consequence: nonsense.
Genome position (GRCh38, 1-based): chr4:99,591,742-99,591,743, AT replaced by GATGTGTATAAGAGACAG. VCF-style: chr4-99591742-AT-GATGTGTATAAGAGACAG. GRCh37 (hg19) VCF-style: chr4-100512899-AT-GATGTGTATAAGAGACAG.
Other names: c.710_711delinsGATGTGTATAAGAGACAG, p.Asn237delinsArgCysValTer (NM_000253.4); c.461_462delinsGATGTGTATAAGAGACAG, p.Asn154delinsArgCysValTer (NM_001300785.2).
Identifiers: ClinVar variation 1725352 (VCV001725352.2), dbSNP rs2476107771, ClinGen allele CA2580071893.